The following is an entry in ClinVar:

NM_006361.6(HOXB13):c.260del (p.Tyr87fs)

Gene: HOXB13 (homeobox B13; minus strand). Cytogenetic location: 17q21.32.
Variant type: Deletion.
Coding change: c.260del on transcript NM_006361.6 (MANE Select); coding-DNA position 260, one base deleted (A; older notation c.260delA).
Protein change: p.Tyr87fs; shifts the reading frame from tyrosine 87.
Molecular consequence: frameshift variant.
Genome position (GRCh38, 1-based): chr17:48,728,334, T deleted on the plus strand (A on the coding strand, the reverse complement: HOXB13 is on the minus strand). VCF-style (leftmost placement, unchanged base first): chr17-48728333-GT-G. GRCh37 (hg19) VCF-style: chr17-46805695-GT-G.
Other names: short protein forms Y87fs.
Identifiers: ClinVar variation 962444 (VCV000962444.7), dbSNP rs2038237137, ClinGen allele CA1139665681.

ClinVar aggregate classification (germline): Uncertain significance (1 of 4 stars; one submission).

Submission:

Labcorp Genetics (formerly Invitae), Labcorp
Classification: Uncertain significance. Last evaluated: 2022-01-15. Review status: criteria provided, single submitter. Criteria: Invitae Variant Classification Sherloc (09022015). Collection method: clinical testing. Allele origin: germline.
Comment: This variant has not been reported in the literature in individuals affected with HOXB13-related conditions. This variant is not present in population databases (gnomAD no frequency). This sequence change creates a premature translational stop signal (p.Tyr87Serfs*11) in the HOXB13 gene. It is expected to result in an absent or disrupted protein product. However, the current clinical and genetic evidence is not sufficient to establish whether loss-of-function variants in HOXB13 cause disease. ClinVar contains an entry for this variant (Variation ID: 962444). In summary, the available evidence is currently insufficient to determine the role of this variant in disease. Therefore, it has been classified as a Variant of Uncertain Significance.